The following is an entry in ClinVar:

NM_000020.3(ACVRL1):c.200G>C (p.Arg67Pro)

Gene: ACVRL1 (activin A receptor like type 1; plus strand). Cytogenetic location: 12q13.13.
Variant type: single nucleotide variant.
Coding change: c.200G>C on transcript NM_000020.3 (MANE Select); coding-DNA position 200, G replaced by C.
Protein change: p.Arg67Pro; replaces arginine 67 with proline.
Molecular consequence: missense variant.
Genome position (GRCh38, 1-based): chr12:51,913,237, G>C. VCF-style: chr12-51913237-G-C. GRCh37 (hg19) VCF-style: chr12-52307021-G-C.
Other names: c.200G>C, p.Arg67Pro (NM_001077401.2); short protein forms R67P.
Identifiers: ClinVar variation 444100 (VCV000444100.4), dbSNP rs863223414, ClinGen allele CA384897888.

ClinVar aggregate classification (germline): Pathogenic. Review status: criteria provided, single submitter (1 of 4 stars). 2 submissions from 2 submitters: Pathogenic (1). 1 of the submissions does not count toward it. Last evaluated 2024-09-12.

Conditions:
Hereditary hemorrhagic telangiectasia (HHT). Also called: ORW DISEASE; Osler Weber Rendu syndrome; OSLER-RENDU-WEBER DISEASE; Osler hemorrhagic telangiectasia syndrome. Identifiers: Orphanet 774, MedGen C0039445, MONDO:0019180. Disease mechanism: loss of function.
Telangiectasia, hereditary hemorrhagic, type 2 (HHT2). Also called: ACVRL1-Related Hereditary Hemorrhagic Telangiectasia; Telangiectasia, hereditary hemorrhagic, type II. Identifiers: Orphanet 774, MedGen C1838163, MONDO:0010880, OMIM 600376. Disease mechanism: loss of function.

Submissions (2):

Labcorp Genetics (formerly Invitae), Labcorp
Classification: Pathogenic for Telangiectasia, hereditary hemorrhagic, type 2. Last evaluated: 2024-09-12. Review status: criteria provided, single submitter. Criteria: Invitae Variant Classification Sherloc (09022015). Collection method: clinical testing. Allele origin: germline.
Comment: This sequence change replaces arginine, which is basic and polar, with proline, which is neutral and non-polar, at codon 67 of the ACVRL1 protein (p.Arg67Pro). This variant is not present in population databases (gnomAD no frequency). This missense change has been observed in individual(s) with hereditary hemorrhagic telangiectasia (PMID: 31220907). ClinVar contains an entry for this variant (Variation ID: 444100). Invitae Evidence Modeling of protein sequence and biophysical properties (such as structural, functional, and spatial information, amino acid conservation, physicochemical variation, residue mobility, and thermodynamic stability) indicates that this missense variant is expected to disrupt ACVRL1 protein function with a positive predictive value of 95%. This variant disrupts the p.Arg67 amino acid residue in ACVRL1. Other variant(s) that disrupt this residue have been determined to be pathogenic (PMID: 9245985, 12114496, 15712271, 15880681, 16123970, 16706966, 17786384, 18498373, 22377182, 22553411, 23722869). This suggests that this residue is clinically significant, and that variants that disrupt this residue are likely to be disease-causing. For these reasons, this variant has been classified as Pathogenic.

Genetics, Medical University of Vienna
Classification: Likely pathogenic for Hereditary hemorrhagic telangiectasia. Last evaluated: 2024-11-01. Review status: no assertion criteria provided. Collection method: research. Allele origin: germline. Affected: yes. Not counted in ClinVar's aggregate classification.

Literature cited by the submitters: PubMed 31220907 (cited by Labcorp Genetics (formerly Invitae), Labcorp and Genetics, Medical University of Vienna); PubMed 9245985 (cited by Labcorp Genetics (formerly Invitae), Labcorp); PubMed 12114496 (cited by Labcorp Genetics (formerly Invitae), Labcorp); PubMed 15712271 (cited by Labcorp Genetics (formerly Invitae), Labcorp); PubMed 15880681 (cited by Labcorp Genetics (formerly Invitae), Labcorp); PubMed 16123970 (cited by Labcorp Genetics (formerly Invitae), Labcorp); PubMed 16706966 (cited by Labcorp Genetics (formerly Invitae), Labcorp); PubMed 17786384 (cited by Labcorp Genetics (formerly Invitae), Labcorp); PubMed 18498373 (cited by Labcorp Genetics (formerly Invitae), Labcorp); PubMed 22377182 (cited by Labcorp Genetics (formerly Invitae), Labcorp); PubMed 22553411 (cited by Labcorp Genetics (formerly Invitae), Labcorp); PubMed 23722869 (cited by Labcorp Genetics (formerly Invitae), Labcorp).